The following is an entry in ClinVar:

NM_001001957.2(OR2W3):c.885_888del (p.Arg295_Glu296insTer)

Gene: OR2W3 (olfactory receptor family 2 subfamily W member 3; plus strand). Cytogenetic location: 1q44.
Variant type: Microsatellite.
Coding change: c.885_888del on transcript NM_001001957.2 (MANE Select); coding-DNA positions 885 to 888, 4 bases deleted (AGAG; older notation c.885_888delAGAG).
Protein change: p.Arg295_Glu296insTer.
Molecular consequence: frameshift variant.
Genome position (GRCh38, 1-based): chr1:247,896,471-247,896,474, AGAG deleted; deleting any 4 consecutive bases within chr1:247,896,469-247,896,474 gives the same sequence; the c. name uses the placement nearest the transcript's 3' end. VCF-style (leftmost placement, unchanged base first): chr1-247896468-CAGAG-C. GRCh37 (hg19) VCF-style: chr1-248059770-CAGAG-C.
Identifiers: ClinVar variation 4763576 (VCV004763576.1).

ClinVar aggregate classification (germline): Uncertain significance (1 of 4 stars; one submission).

Submission:

Labcorp Genetics (formerly Invitae), Labcorp
Classification: Uncertain significance. Last evaluated: 2025-12-17. Review status: criteria provided, single submitter. Criteria: Invitae Variant Classification Sherloc (09022015). Collection method: clinical testing. Allele origin: germline.
Comment: This sequence change creates a premature translational stop signal (p.Glu296*) in the OR2W3 gene. While this is not anticipated to result in nonsense mediated decay, it is expected to disrupt the last 19 amino acid(s) of the OR2W3 protein. This variant is not present in population databases (gnomAD no frequency). This variant has not been reported in the literature in individuals affected with OR2W3-related conditions. Experimental studies and prediction algorithms are not available or were not evaluated, and the functional significance of this variant is currently unknown. In summary, the available evidence is currently insufficient to determine the role of this variant in disease. Therefore, it has been classified as a Variant of Uncertain Significance.